The following is an entry in ClinVar:

ClinVar aggregate classification (germline): Uncertain significance (1 of 4 stars; one submission).

Conditions:
Epilepsy, familial focal, with variable foci 3 (FFEVF3). Identifiers: MedGen C4310708, MONDO:0014925, OMIM 617118.

gnomAD v4.1: 4 of 1,597,634 alleles (0.00025%); highest among the groups gnomAD compares: African/African-American, 0.0013%; no homozygotes.

Submission:

Labcorp Genetics (formerly Invitae), Labcorp
Classification: Uncertain significance for Epilepsy, familial focal, with variable foci 3. Last evaluated: 2025-01-20. Review status: criteria provided, single submitter. Criteria: Invitae Variant Classification Sherloc (09022015). Collection method: clinical testing. Allele origin: germline.
Comment: This sequence change replaces arginine, which is basic and polar, with glutamine, which is neutral and polar, at codon 2 of the NPRL3 protein (p.Arg2Gln). The frequency data for this variant in the population databases is considered unreliable, as metrics indicate poor data quality at this position in the gnomAD database. This variant has not been reported in the literature in individuals affected with NPRL3-related conditions. Experimental studies and prediction algorithms are not available or were not evaluated, and the functional significance of this variant is currently unknown. In summary, the available evidence is currently insufficient to determine the role of this variant in disease. Therefore, it has been classified as a Variant of Uncertain Significance.

NM_001077350.3(NPRL3):c.5G>A (p.Arg2Gln)

Genes: HBA-LCR (alpha-globin locus control region; plus strand), NPRL3 (NPR3 like, GATOR1 complex subunit; minus strand). Cytogenetic location: 16p13.3.
Variant type: single nucleotide variant.
Coding change: c.5G>A on transcript NM_001077350.3 (MANE Select); coding-DNA position 5, G replaced by A.
Protein change: p.Arg2Gln; replaces arginine 2 with glutamine.
Molecular consequence: missense variant. On other transcripts: 5 prime UTR variant (2).
Genome position (GRCh38, 1-based): chr16:138,263, C>T on the plus strand (G>A on the coding strand, the complement: NPRL3 is on the minus strand). VCF-style: chr16-138263-C-T. GRCh37 (hg19) VCF-style: chr16-188262-C-T.
Other names: c.5G>A, p.Arg2Gln (NM_001243249.2, NM_001243248.2); c.-328G>A (NM_001039476.3); c.-367G>A (NM_001243247.2); short protein forms R2Q.
Identifiers: ClinVar variation 3713390 (VCV003713390.2).